The following is an entry in ClinVar:

ClinVar aggregate classification (germline): Uncertain significance. Review status: criteria provided, multiple submitters, no conflicts (2 of 4 stars). 2 submissions from 2 submitters: Uncertain significance (2). Last evaluated 2025-11-12.

Conditions:
Hereditary cancer-predisposing syndrome. Also called: Neoplastic Syndromes, Hereditary; Tumor predisposition; Hereditary Cancer Syndrome; Hereditary neoplastic syndrome. Identifiers: Orphanet 140162, MedGen C0027672, MeSH D009386, MONDO:0015356.

gnomAD v4.1: 2 of 1,613,712 alleles (0.00012%); highest among the groups gnomAD compares: East Asian, 0.0045%; no homozygotes.

Submissions (2):

Ambry Genetics
Classification: Uncertain significance for Hereditary cancer-predisposing syndrome. Last evaluated: 2025-11-12. Review status: criteria provided, single submitter. Criteria: Ambry Variant Classification Scheme 2023. Collection method: clinical testing. Allele origin: germline.
Comment: The p.C483F variant (also known as c.1448G>T), located in coding exon 11 of the APC gene, results from a G to T substitution at nucleotide position 1448. The cysteine at codon 483 is replaced by phenylalanine, an amino acid with highly dissimilar properties. This amino acid position is conserved. In addition, in silico predictors for this gene do not accurately predict pathogenicity. Missense variants in APC are not a common cause of disease (Spier I et al. Genet Med. 2024 Feb;26(2):100992). Based on the available evidence, the clinical significance of this variant remains unclear.

Color Diagnostics, LLC DBA Color Health
Classification: Uncertain significance for Hereditary cancer-predisposing syndrome. Last evaluated: 2023-12-05. Review status: criteria provided, single submitter. Criteria: ACMG Guidelines, 2015. Collection method: clinical testing. Allele origin: germline.
Comment: This missense variant replaces cysteine with phenylalanine at codon 483 of the APC protein. Computational prediction suggests that this variant may not impact protein structure and function (internally defined REVEL score threshold <= 0.5, PMID: 27666373). To our knowledge, functional studies have not been reported for this variant. This variant has not been reported in individuals affected with APC-related disorders in the literature. This variant has not been identified in the general population by the Genome Aggregation Database (gnomAD). The available evidence is insufficient to determine the role of this variant in disease conclusively. Therefore, this variant is classified as a Variant of Uncertain Significance.

NM_000038.6(APC):c.1448G>T (p.Cys483Phe)

Gene: APC (APC regulator of Wnt signaling pathway; plus strand). Cytogenetic location: 5q22.2.
Variant type: single nucleotide variant.
Coding change: c.1448G>T on transcript NM_000038.6 (MANE Select); coding-DNA position 1448, G replaced by T.
Protein change: p.Cys483Phe; replaces cysteine 483 with phenylalanine.
Molecular consequence: missense variant.
Genome position (GRCh38, 1-based): chr5:112,827,147, G>T. VCF-style: chr5-112827147-G-T. GRCh37 (hg19) VCF-style: chr5-112162844-G-T.
Other names: c.1448G>T, p.Cys483Phe (NM_001127510.3, NM_001354895.2); c.1394G>T, p.Cys465Phe (NM_001127511.3); c.1502G>T, p.Cys501Phe (NM_001354896.2); c.1478G>T, p.Cys493Phe (NM_001354897.2); c.1373G>T, p.Cys458Phe (NM_001354898.2); c.1364G>T, p.Cys455Phe (NM_001354899.2); c.1325G>T, p.Cys442Phe (NM_001354900.2); c.1271G>T, p.Cys424Phe (NM_001354901.2); and 5 more; short protein forms C200F, C424F, C458F, C483F, C323F, C357F, C382F, C465F.
Identifiers: ClinVar variation 926884 (VCV000926884.7), dbSNP rs1763767675, ClinGen allele CA16024475.
Genomic context (GRCh38, chr5:112,827,147, plus strand): 5'-CTCTTGCCCTTTTTAAATTAGGGGGACTACAGGCCATTGCAGAATTATTGCAAGTGGACT[G>T]TGAAATGTATGGGCTTACTAATGACCACTACAGTATTACACTAAGACGATATGCTGGAAT-3'
Protein context (NP_000029.2, residues 473-493): QAIAELLQVD[Cys483Phe]EMYGLTNDHY